The following is an entry in ClinVar:

NM_024408.4(NOTCH2):c.5008T>A (p.Ser1670Thr)

Gene: NOTCH2 (notch receptor 2; minus strand). Cytogenetic location: 1p12.
Variant type: single nucleotide variant.
Coding change: c.5008T>A on transcript NM_024408.4 (MANE Select); coding-DNA position 5008, T replaced by A.
Protein change: p.Ser1670Thr; replaces serine 1670 with threonine.
Molecular consequence: missense variant.
Genome position (GRCh38, 1-based): chr1:119,922,441, A>T on the plus strand (T>A on the coding strand, the complement: NOTCH2 is on the minus strand). VCF-style: chr1-119922441-A-T. GRCh37 (hg19) VCF-style: chr1-120465064-A-T.
Other names: short protein forms S1670T.
Identifiers: ClinVar variation 2724481 (VCV002724481.3), dbSNP rs2101154965, ClinGen allele CA341887253.

ClinVar aggregate classification (germline): Uncertain significance (1 of 4 stars; one submission).

Conditions:
Hajdu-Cheney syndrome (HJCYS). Also called: SERPENTINE FIBULA-POLYCYSTIC KIDNEY SYNDROME; ACROOSTEOLYSIS WITH OSTEOPOROSIS AND CHANGES IN SKULL AND MANDIBLE; Acroosteolysis dominant type. Identifiers: Orphanet 955, MedGen C0917715, MONDO:0007057, OMIM 102500.

Submission:

Labcorp Genetics (formerly Invitae), Labcorp
Classification: Uncertain significance for Hajdu-Cheney syndrome. Last evaluated: 2023-06-22. Review status: criteria provided, single submitter. Criteria: Invitae Variant Classification Sherloc (09022015). Collection method: clinical testing. Allele origin: germline.
Comment: Advanced modeling of protein sequence and biophysical properties (such as structural, functional, and spatial information, amino acid conservation, physicochemical variation, residue mobility, and thermodynamic stability) performed at Invitae indicates that this missense variant is not expected to disrupt NOTCH2 protein function. This sequence change replaces serine, which is neutral and polar, with threonine, which is neutral and polar, at codon 1670 of the NOTCH2 protein (p.Ser1670Thr). This variant is not present in population databases (gnomAD no frequency). This variant has not been reported in the literature in individuals affected with NOTCH2-related conditions. In summary, the available evidence is currently insufficient to determine the role of this variant in disease. Therefore, it has been classified as a Variant of Uncertain Significance.